The following is an entry in ClinVar:

ClinVar aggregate classification (germline): Uncertain significance (1 of 4 stars; one submission).

Conditions:
Hereditary cancer-predisposing syndrome. Also called: Hereditary neoplastic syndrome; Neoplastic Syndromes, Hereditary; Tumor predisposition; Hereditary Cancer Syndrome. Identifiers: Orphanet 140162, MedGen C0027672, MeSH D009386, MONDO:0015356.

Allele frequency attached by ClinVar (database versions not stated): TOPMed below 0.00001.

Submission:

Ambry Genetics
Classification: Uncertain significance for Hereditary cancer-predisposing syndrome. Last evaluated: 2022-07-01. Review status: criteria provided, single submitter. Criteria: Ambry Variant Classification Scheme 2023. Collection method: clinical testing. Allele origin: germline.
Comment: The p.N2343K variant (also known as c.7029C>G), located in coding exon 47 of the ATM gene, results from a C to G substitution at nucleotide position 7029. The asparagine at codon 2343 is replaced by lysine, an amino acid with similar properties. This amino acid position is not well conserved in available vertebrate species. In addition, this alteration is predicted to be tolerated by in silico analysis. Since supporting evidence is limited at this time, the clinical significance of this alteration remains unclear.

NM_000051.4(ATM):c.7029C>G (p.Asn2343Lys)

Genes: ATM (ATM serine/threonine kinase; plus strand), C11orf65 (chromosome 11 open reading frame 65; minus strand). Cytogenetic location: 11q22.3.
Variant type: single nucleotide variant.
Coding change: c.7029C>G on transcript NM_000051.4 (MANE Select); coding-DNA position 7029, C replaced by G.
Protein change: p.Asn2343Lys; replaces asparagine 2343 with lysine.
Molecular consequence: missense variant. On other transcripts: intron variant (2).
Genome position (GRCh38, 1-based): chr11:108,327,698, C>G. VCF-style: chr11-108327698-C-G. GRCh37 (hg19) VCF-style: chr11-108198425-C-G.
Other names: c.7029C>G, p.Asn2343Lys (NM_001351834.2); c.641-18627G>C (NM_001330368.2); c.*38+7522G>C (NM_001351110.2); short protein forms N2343K.
Identifiers: ClinVar variation 1756756 (VCV001756756.2), dbSNP rs1251099495, ClinGen allele CA382558828.
Genomic context (GRCh38, chr11:108,327,698, plus strand): 5'-TATACAGAACAATCCCAGCCTAAAACTTACATACACAGAATGTCTGAGGGTTTGTGGCAA[C>G]TGGTTAGCAGAAACGTGCTTAGAAAATCCTGCGGTCATCATGCAGACCTATCTAGAAAAG-3'
Protein context (NP_000042.3, residues 2333-2353): TYTECLRVCG[Asn2343Lys]WLAETCLENP